The following is an entry in ClinVar:

NM_000384.3(APOB):c.11607C>G (p.Phe3869Leu)

Gene: APOB (apolipoprotein B; minus strand). Cytogenetic location: 2p24.1.
Variant type: single nucleotide variant.
Coding change: c.11607C>G on transcript NM_000384.3 (MANE Select); coding-DNA position 11607, C replaced by G.
Protein change: p.Phe3869Leu; replaces phenylalanine 3869 with leucine.
Molecular consequence: missense variant.
Genome position (GRCh38, 1-based): chr2:21,005,261, G>C on the plus strand (C>G on the coding strand, the complement: APOB is on the minus strand). VCF-style: chr2-21005261-G-C. GRCh37 (hg19) VCF-style: chr2-21228133-G-C.
Other names: short protein forms F3869L.
Identifiers: ClinVar variation 4789279 (VCV004789279.1).

ClinVar aggregate classification (germline): Uncertain significance (1 of 4 stars; one submission).

Conditions:
Familial hypobetalipoproteinemia 1. Also called: APOB-Related Familial Hypobetalipoproteinemia; Hypobetalipoproteinemia, normotriglyceridemic; Acanthocytosis with hypobetalipoproteinemia. Identifiers: MedGen C4551990, MONDO:0014252, OMIM 615558.
Hypercholesterolemia, autosomal dominant, type B (FHCL2). Also called: APOB-Related Familial Hypercholesterolemia, Autosomal Dominant; Familial hypercholesterolemia 2; Familial Hypercholesterolemia Type B; APOLIPOPROTEIN B-100, FAMILIAL DEFECTIVE; APOLIPOPROTEIN B-100, FAMILIAL LIGAND-DEFECTIVE; HYPERCHOLESTEROLEMIA, FAMILIAL, DUE TO LIGAND-DEFECTIVE APOLIPOPROTEIN B. Identifiers: MedGen C1704417, MONDO:0007751, OMIM 144010.

Submission:

Labcorp Genetics (formerly Invitae), Labcorp
Classification: Uncertain significance for Familial hypobetalipoproteinemia 1; Hypercholesterolemia, autosomal dominant, type B. Last evaluated: 2025-08-20. Review status: criteria provided, single submitter. Criteria: Invitae Variant Classification Sherloc (09022015). Collection method: clinical testing. Allele origin: germline.
Comment: This sequence change replaces phenylalanine, which is neutral and non-polar, with leucine, which is neutral and non-polar, at codon 3869 of the APOB protein (p.Phe3869Leu). This variant is not present in population databases (gnomAD no frequency). This variant has not been reported in the literature in individuals affected with APOB-related conditions. Invitae Evidence Modeling of protein sequence and biophysical properties (such as structural, functional, and spatial information, amino acid conservation, physicochemical variation, residue mobility, and thermodynamic stability) indicates that this missense variant is not expected to disrupt APOB protein function with a negative predictive value of 95%. In summary, the available evidence is currently insufficient to determine the role of this variant in disease. Therefore, it has been classified as a Variant of Uncertain Significance.